The following is an entry in ClinVar:

NM_017999.5(RNF31):c.2570C>G (p.Ala857Gly)

Gene: RNF31 (ring finger protein 31; plus strand). Cytogenetic location: 14q12.
Variant type: single nucleotide variant.
Coding change: c.2570C>G on transcript NM_017999.5 (MANE Select); coding-DNA position 2570, C replaced by G.
Protein change: p.Ala857Gly; replaces alanine 857 with glycine.
Molecular consequence: missense variant.
Genome position (GRCh38, 1-based): chr14:24,157,366, C>G. VCF-style: chr14-24157366-C-G. GRCh37 (hg19) VCF-style: chr14-24626575-C-G.
Other names: c.2117C>G, p.Ala706Gly (NM_001310332.2); short protein forms A706G, A857G.
Identifiers: ClinVar variation 2858665 (VCV002858665.3), dbSNP rs2502019113, ClinGen allele CA389305473.

ClinVar aggregate classification (germline): Uncertain significance (1 of 4 stars; one submission).

Submission:

Labcorp Genetics (formerly Invitae), Labcorp
Classification: Uncertain significance. Last evaluated: 2023-04-23. Review status: criteria provided, single submitter. Criteria: Invitae Variant Classification Sherloc (09022015). Collection method: clinical testing. Allele origin: germline.
Comment: In summary, the available evidence is currently insufficient to determine the role of this variant in disease. Therefore, it has been classified as a Variant of Uncertain Significance. An algorithm developed to predict the effect of missense changes on protein structure and function (PolyPhen-2) suggests that this variant is likely to be disruptive. This variant has not been reported in the literature in individuals affected with RNF31-related conditions. This variant is not present in population databases (gnomAD no frequency). This sequence change replaces alanine, which is neutral and non-polar, with glycine, which is neutral and non-polar, at codon 857 of the RNF31 protein (p.Ala857Gly).